The following is an entry in ClinVar:

ClinVar aggregate classification (germline): Pathogenic. Review status: criteria provided, multiple submitters, no conflicts (2 of 4 stars). 4 submissions from 4 submitters: Pathogenic (4). Last evaluated 2025-07-14.

Conditions:
Familial adenomatous polyposis 1 (FAP1). Also called: FAMILIAL ADENOMATOUS POLYPOSIS 1, ATTENUATED; POLYPOSIS, ADENOMATOUS INTESTINAL. Identifiers: MedGen C2713442, MONDO:0021056, OMIM 175100. Disease mechanism: loss of function.
Hereditary cancer-predisposing syndrome. Also called: Tumor predisposition; Hereditary neoplastic syndrome; Neoplastic Syndromes, Hereditary; Hereditary Cancer Syndrome. Identifiers: Orphanet 140162, MedGen C0027672, MeSH D009386, MONDO:0015356.

Submissions (4):

Ambry Genetics
Classification: Pathogenic for Hereditary cancer-predisposing syndrome. Last evaluated: 2025-07-14. Review status: criteria provided, single submitter. Criteria: Ambry Variant Classification Scheme 2023. Collection method: clinical testing. Allele origin: germline.
Comment: The p.Q1127* pathogenic mutation (also known as c.3379C>T), located in coding exon 15 of the APC gene, results from a C to T substitution at nucleotide position 3379. This changes the amino acid from a glutamine to a stop codon within coding exon 15. This alteration occurs at the 3' terminus of theAPC gene, is not expected to trigger nonsense-mediated mRNA decay, and impacts the last 60% of the protein. However, premature stop codons are typically deleterious in nature, the impacted region is critical for protein function, and a significant portion of the protein is affected (Ambry internal data). This variant was reported in individual(s) with features consistent with APC-related familial adenomatous polyposis (Friedl W and Aretz S Hered Cancer Clin Pract, 2005 Sep;3:95-114; Jarry J et al. Fam. Cancer, 2011 Dec;10:659-65; Ambry internal data). This variant is considered to be rare based on population cohorts in the Genome Aggregation Database (gnomAD). Based on the supporting evidence, this variant is interpreted as a disease-causing mutation.

Myriad Genetics, Inc.
Classification: Pathogenic for Familial adenomatous polyposis 1. Last evaluated: 2023-05-08. Review status: criteria provided, single submitter. Criteria: Myriad Autosomal Dominant, Autosomal Recessive and X-Linked Classification Criteria (2023). Collection method: clinical testing. Allele origin: unknown.
Comment: This variant is considered pathogenic. This variant creates a termination codon and is predicted to result in premature protein truncation.

Institute for Genomic Medicine (IGM) Clinical Laboratory, Nationwide Children's Hospital
Classification: Pathogenic for Familial adenomatous polyposis 1. Last evaluated: 2022-10-19. Review status: criteria provided, single submitter. Criteria: ACMG Guidelines, 2015. Collection method: clinical testing. Allele origin: germline.
Comment: This variant is predicted to result in loss of function through nonsense-mediated decay of the encoded transcript or premature truncation of the encoded protein in a gene in which loss of function is a known mechanism of disease (ACMG/AMP: PVS1; PMIDs:8594558, 11257105). This variant has been reported at an elevated frequency in affected individuals/in multiple affected individuals in the literature (ACMG/AMP: PS4_Supporting; PMIDs:20223039, 17486639). This variant is absent from or present at an exceedingly low frequency in gnomAD, a large-scale control population database (ACMG/AMP: PM2).

Labcorp Genetics (formerly Invitae), Labcorp
Classification: Pathogenic for Familial adenomatous polyposis 1. Last evaluated: 2019-12-23. Review status: criteria provided, single submitter. Criteria: Invitae Variant Classification Sherloc (09022015). Collection method: clinical testing. Allele origin: germline.
Comment: A different truncation (p.Tyr2645Lysfs*14) that lies downstream of this variant has been determined to be pathogenic (PMID: 9824584, 1316610, 27081525, 8381579, 22135120, Invitae). This suggests that deletion of this region of the APC protein is causative of disease." For these reasons, this variant has been classified as Pathogenic. This variant is expected to disrupt the EB1 and HDLG binding sites, which mediate interactions with the cytoskeleton (PMID: 15311282, 17293347). While functional studies have not been performed to directly test the effect on APC protein function, this suggests that disruption of the C-terminal portion of the protein is functionally important. This variant has not been reported in the literature in individuals with APC-related conditions. This variant is not present in population databases (ExAC no frequency). This sequence change results in a premature translational stop signal in the APC gene (p.Gln1127*). While this is not anticipated to result in nonsense mediated decay, it is expected to disrupt the last 1717 amino acids of the APC protein.

Literature cited by the submitters: PubMed 20223039 (cited by Ambry Genetics and Institute for Genomic Medicine (IGM) Clinical Laboratory, Nationwide Children's Hospital); PubMed 21779980 (cited by Ambry Genetics); PubMed 8594558 (cited by Institute for Genomic Medicine (IGM) Clinical Laboratory, Nationwide Children's Hospital); PubMed 11257105 (cited by Institute for Genomic Medicine (IGM) Clinical Laboratory, Nationwide Children's Hospital); PubMed 17486639 (cited by Institute for Genomic Medicine (IGM) Clinical Laboratory, Nationwide Children's Hospital); PubMed 9824584 (cited by Labcorp Genetics (formerly Invitae), Labcorp); PubMed 1316610 (cited by Labcorp Genetics (formerly Invitae), Labcorp); PubMed 27081525 (cited by Labcorp Genetics (formerly Invitae), Labcorp); PubMed 8381579 (cited by Labcorp Genetics (formerly Invitae), Labcorp); PubMed 22135120 (cited by Labcorp Genetics (formerly Invitae), Labcorp); PubMed 15311282 (cited by Labcorp Genetics (formerly Invitae), Labcorp); PubMed 17293347 (cited by Labcorp Genetics (formerly Invitae), Labcorp).

NM_000038.6(APC):c.3379C>T (p.Gln1127Ter)

Gene: APC (APC regulator of Wnt signaling pathway; plus strand). Cytogenetic location: 5q22.2.
Variant type: single nucleotide variant.
Coding change: c.3379C>T on transcript NM_000038.6 (MANE Select); coding-DNA position 3379, C replaced by T.
Protein change: p.Gln1127Ter; replaces glutamine 1127 with a stop codon.
Molecular consequence: nonsense.
Genome position (GRCh38, 1-based): chr5:112,838,973, C>T. VCF-style: chr5-112838973-C-T. GRCh37 (hg19) VCF-style: chr5-112174670-C-T.
Other names: c.3379C>T, p.Gln1127Ter (NM_001127510.3, NM_001354895.2); c.3325C>T, p.Gln1109Ter (NM_001127511.3); c.3433C>T, p.Gln1145Ter (NM_001354896.2); c.3409C>T, p.Gln1137Ter (NM_001354897.2); c.3304C>T, p.Gln1102Ter (NM_001354898.2); c.3295C>T, p.Gln1099Ter (NM_001354899.2); c.3256C>T, p.Gln1086Ter (NM_001354900.2); c.3202C>T, p.Gln1068Ter (NM_001354901.2); and 5 more; short protein forms Q1036*, Q1109*, Q1137*, Q844*, Q1068*, Q967*, Q1001*, Q1026*.
Identifiers: ClinVar variation 856907 (VCV000856907.15), dbSNP rs1765409926, ClinGen allele CA16028737.